The following is an entry in ClinVar:

NM_020738.4(KIDINS220):c.3315G>T (p.Thr1105=)

Gene: KIDINS220 (kinase D interacting substrate 220; minus strand). Cytogenetic location: 2p25.1.
Variant type: single nucleotide variant.
Coding change: c.3315G>T on transcript NM_020738.4 (MANE Select); coding-DNA position 3315, G replaced by T.
Protein change: p.Thr1105=; no amino-acid change (threonine 1105 retained).
Molecular consequence: synonymous variant. On other transcripts: non-coding transcript variant (2).
Genome position (GRCh38, 1-based): chr2:8,750,211, C>A on the plus strand (G>T on the coding strand, the complement: KIDINS220 is on the minus strand). VCF-style: chr2-8750211-C-A. GRCh37 (hg19) VCF-style: chr2-8890341-C-A.
Other names: c.3318G>T, p.Thr1106= (NM_001348729.2, NM_001348731.2, NM_001348734.2 and 2 more transcripts); c.3315G>T, p.Thr1105= (NM_001348732.2, NM_001348735.2, NM_001348738.2 and 3 more transcripts); c.3189G>T, p.Thr1063= (NM_001348736.2).
Identifiers: ClinVar variation 3357022 (VCV003357022.1).

ClinVar aggregate classification (germline): Likely benign (0 of 4 stars; one submission).

Conditions:
KIDINS220-related disorder. Also called: KIDINS220-related condition.

Submission:

PreventionGenetics, part of Exact Sciences
Classification: Likely benign for KIDINS220-related condition. Last evaluated: 2021-06-28. Review status: no assertion criteria provided. Collection method: clinical testing. Allele origin: germline.
Comment: This variant is classified as likely benign based on ACMG/AMP sequence variant interpretation guidelines (Richards et al. 2015 PMID: 25741868, with internal and published modifications).